The following is an entry in ClinVar:

ClinVar aggregate classification (germline): Uncertain significance (1 of 4 stars; one submission).

Allele frequency attached by ClinVar (database versions not stated): gnomAD exomes below 0.00001; TOPMed below 0.00001.

Submission:

Labcorp Genetics (formerly Invitae), Labcorp
Classification: Uncertain significance. Last evaluated: 2023-04-03. Review status: criteria provided, single submitter. Criteria: Invitae Variant Classification Sherloc (09022015). Collection method: clinical testing. Allele origin: germline.
Comment: This sequence change replaces arginine, which is basic and polar, with histidine, which is basic and polar, at codon 688 of the ABCB7 protein (p.Arg688His). This variant is not present in population databases (gnomAD no frequency). This variant has not been reported in the literature in individuals affected with ABCB7-related conditions. An algorithm developed to predict the effect of missense changes on protein structure and function (PolyPhen-2) suggests that this variant is likely to be tolerated. In summary, the available evidence is currently insufficient to determine the role of this variant in disease. Therefore, it has been classified as a Variant of Uncertain Significance.

NM_001271696.3(ABCB7):c.2060G>A (p.Arg687His)

Gene: ABCB7 (ATP binding cassette subfamily B member 7; minus strand). Cytogenetic location: Xq13.3.
Variant type: single nucleotide variant.
Coding change: c.2060G>A on transcript NM_001271696.3 (MANE Select); coding-DNA position 2060, G replaced by A.
Protein change: p.Arg687His; replaces arginine 687 with histidine.
Molecular consequence: missense variant.
Genome position (GRCh38, 1-based): chrX:75,053,569, C>T on the plus strand (G>A on the coding strand, the complement: ABCB7 is on the minus strand). VCF-style: chrX-75053569-C-T. GRCh37 (hg19) VCF-style: chrX-74273404-C-T.
Other names: c.1940G>A, p.Arg647His (NM_001271697.3); c.1982G>A, p.Arg661His (NM_001271698.3); c.1943G>A, p.Arg648His (NM_001271699.3); c.2063G>A, p.Arg688His (NM_004299.6); short protein forms R648H, R688H, R687H, R647H, R661H.
Identifiers: ClinVar variation 3012189 (VCV003012189.3), dbSNP rs2081212161, ClinGen allele CA413672517.